The following is an entry in ClinVar:

NM_001126108.2(SLC12A3):c.2450_2452delinsGC (p.Gln817fs)

Gene: SLC12A3 (solute carrier family 12 member 3; plus strand). Cytogenetic location: 16q13.
Variant type: Indel.
Coding change: c.2450_2452delinsGC on transcript NM_001126108.2 (MANE Select); coding-DNA positions 2450 to 2452, AGG replaced by GC.
Protein change: p.Gln817fs; shifts the reading frame from glutamine 817.
Molecular consequence: frameshift variant.
Genome position (GRCh38, 1-based): chr16:56,892,983-56,892,985, AGG replaced by GC. VCF-style: chr16-56892983-AGG-GC. GRCh37 (hg19) VCF-style: chr16-56926895-AGG-GC.
Other names: c.2477_2479delinsGC, p.Gln826fs (NM_000339.3); c.2474_2476delinsGC, p.Gln825fs (NM_001126107.2); c.2447_2449delinsGC, p.Gln816fs (NM_001410896.1); short protein forms Q816fs, Q817fs, Q825fs, Q826fs.
Identifiers: ClinVar variation 4818205 (VCV004818205.1).
Genomic context (GRCh38, chr16:56,892,983, plus strand): 5'-TCTGCTCTGACCCGCCCCCACCTCCTGCAGTGGACCCCAAGGCCCTGGTGAAGGAGGAGC[AGG>GC]CCACCACCATCTTCCAGTCGGAGCAGGGCAAGAAGACCATAGACATCTACTGGCTCTTTG-3'

ClinVar aggregate classification (germline): Likely pathogenic (1 of 4 stars; one submission).

Conditions:
Familial hypokalemia-hypomagnesemia (GTLMNS). Also called: POTASSIUM AND MAGNESIUM DEPLETION; HYPOMAGNESEMIA-HYPOKALEMIA, PRIMARY RENOTUBULAR, WITH HYPOCALCIURIA; gitelman syndrome. Identifiers: Orphanet 358, MedGen C0268450, MONDO:0009904, OMIM 263800.

Submission:

Natera, Inc.
Classification: Likely pathogenic for Gitelman syndrome. Last evaluated: 2025-02-17. Review status: criteria provided, single submitter. Criteria: Natera Variant Classification Schema (03/2026). Collection method: clinical testing. Allele origin: germline.
Comment: The c.2477_2479delinsGC variant in SLC12A3 is a frameshift variant predicted to shift the reading frame beginning at codon 826 and leads to a stop codon 15 codons downstream. This variant is expected to result in nonsense mediated decay, truncation, or a dysfunctional protein product. This variant is rare in the general population with a frequency below the threshold expected for the associated phenotype(s). Given the available evidence, this variant is classified as Likely Pathogenic.